The following is an entry in ClinVar:

ClinVar aggregate classification (germline): Uncertain significance. Review status: criteria provided, multiple submitters, no conflicts (2 of 4 stars). 3 submissions from 3 submitters: Uncertain significance (3). Last evaluated 2025-12-30.

Conditions:
Hereditary cancer-predisposing syndrome. Also called: Neoplastic Syndromes, Hereditary; Hereditary Cancer Syndrome; Tumor predisposition; Hereditary neoplastic syndrome. Identifiers: Orphanet 140162, MedGen C0027672, MeSH D009386, MONDO:0015356.
Hereditary breast ovarian cancer syndrome. Also called: Breast and ovarian cancer; BRCA1- and BRCA2-Associated Hereditary Breast and Ovarian Cancer; Hereditary breast and ovarian cancer syndrome; Hereditary breast and ovarian cancer syndrome (HBOC); Hereditary breast and/or ovarian cancer syndrome; Hereditary breast and ovarian cancer. Identifiers: Orphanet 145, MedGen C0677776, MeSH D061325, MONDO:0003582. Disease mechanism: loss of function.

Submissions (3):

Labcorp Genetics (formerly Invitae), Labcorp
Classification: Uncertain significance for Hereditary breast ovarian cancer syndrome. Last evaluated: 2025-12-30. Review status: criteria provided, single submitter. Criteria: Invitae Variant Classification Sherloc (09022015). Collection method: clinical testing. Allele origin: germline.
Comment: This sequence change replaces leucine, which is neutral and non-polar, with valine, which is neutral and non-polar, at codon 147 of the BRCA1 protein (p.Leu147Val). This variant is not present in population databases (gnomAD no frequency). This variant has not been reported in the literature in individuals affected with BRCA1-related conditions. ClinVar contains an entry for this variant (Variation ID: 230275). An algorithm developed to predict the effect of missense changes on protein structure and function (PolyPhen-2) suggests that this variant is likely to be disruptive. Experimental studies have shown that this missense change does not substantially affect BRCA1 function (PMID: 25823446). In summary, the available evidence is currently insufficient to determine the role of this variant in disease. Therefore, it has been classified as a Variant of Uncertain Significance.

Blueprint Genetics
Classification: Uncertain significance. Last evaluated: 2023-09-01. Review status: criteria provided, single submitter. Criteria: ACMG Guidelines, 2015. Collection method: clinical testing. Allele origin: germline.

Ambry Genetics
Classification: Uncertain significance for Hereditary cancer-predisposing syndrome. Last evaluated: 2019-12-20. Review status: criteria provided, single submitter. Criteria: Ambry Variant Classification Scheme 2023. Collection method: clinical testing. Allele origin: germline.
Comment: The p.L147V variant (also known as c.439T>G), located in coding exon 5 of the BRCA1 gene, results from a T to G substitution at nucleotide position 439. The leucine at codon 147 is replaced by valine, an amino acid with highly similar properties. This amino acid position is well conserved in available vertebrate species. In addition, this alteration is predicted to be deleterious by in silico analysis. Since supporting evidence is limited at this time, the clinical significance of this alteration remains unclear.

Literature cited by the submitters: PubMed 25823446 (cited by Labcorp Genetics (formerly Invitae), Labcorp).

NM_007294.4(BRCA1):c.439T>G (p.Leu147Val)

Gene: BRCA1 (BRCA1 DNA repair associated; minus strand). Cytogenetic location: 17q21.31.
Variant type: single nucleotide variant.
Coding change: c.439T>G on transcript NM_007294.4 (MANE Select); coding-DNA position 439, T replaced by G.
Protein change: p.Leu147Val; replaces leucine 147 with valine.
Molecular consequence: missense variant. On other transcripts: non-coding transcript variant (1).
Genome position (GRCh38, 1-based): chr17:43,104,124, A>C on the plus strand (T>G on the coding strand, the complement: BRCA1 is on the minus strand). VCF-style: chr17-43104124-A-C. GRCh37 (hg19) VCF-style: chr17-41256141-A-C.
Other names: c.229T>G, p.Leu77Val (NM_001407571.1, NM_001407853.1, NM_001407879.1 and 58 more transcripts); c.439T>G, p.Leu147Val (NM_001407581.1, NM_001407582.1, NM_001407583.1 and 165 more transcripts); c.430T>G, p.Leu144Val (NM_001407646.1, NM_001407647.1, NM_001408408.1); c.361T>G, p.Leu121Val (NM_001407653.1, NM_001407654.1, NM_001407655.1 and 21 more transcripts); c.298T>G, p.Leu100Val (NM_001407692.1, NM_001407694.1, NM_001407695.1 and 99 more transcripts); c.58T>G, p.Leu20Val (NM_001407959.1, NM_001407960.1, NM_001407962.1 and 4 more transcripts); c.307T>G, p.Leu103Val (NM_001408451.1); short protein forms L147V, L100V, L20V, L77V, L121V, L103V, L144V.
Identifiers: ClinVar variation 230275 (VCV000230275.16), dbSNP rs794727800, ClinGen allele CA10580701.